The following is an entry in ClinVar:

NM_024529.5(CDC73):c.1337T>C (p.Phe446Ser)

Gene: CDC73 (cell division cycle 73; plus strand). Cytogenetic location: 1q31.2.
Variant type: single nucleotide variant.
Coding change: c.1337T>C on transcript NM_024529.5 (MANE Select); coding-DNA position 1337, T replaced by C.
Protein change: p.Phe446Ser; replaces phenylalanine 446 with serine.
Molecular consequence: missense variant.
Genome position (GRCh38, 1-based): chr1:193,236,276, T>C. VCF-style: chr1-193236276-T-C. GRCh37 (hg19) VCF-style: chr1-193205406-T-C.
Other names: short protein forms F446S.
Identifiers: ClinVar variation 1770274 (VCV001770274.2), dbSNP rs2527500723, ClinGen allele CA344078131.

ClinVar aggregate classification (germline): Uncertain significance (1 of 4 stars; one submission).

Conditions:
Hereditary cancer-predisposing syndrome. Also called: Hereditary Cancer Syndrome; Hereditary neoplastic syndrome; Neoplastic Syndromes, Hereditary; Tumor predisposition. Identifiers: Orphanet 140162, MedGen C0027672, MeSH D009386, MONDO:0015356.

Submission:

Ambry Genetics
Classification: Uncertain significance for Hereditary cancer-predisposing syndrome. Last evaluated: 2022-05-26. Review status: criteria provided, single submitter. Criteria: Ambry Variant Classification Scheme 2023. Collection method: clinical testing. Allele origin: germline.
Comment: The p.F446S variant (also known as c.1337T>C), located in coding exon 15 of the CDC73 gene, results from a T to C substitution at nucleotide position 1337. The phenylalanine at codon 446 is replaced by serine, an amino acid with highly dissimilar properties. This amino acid position is highly conserved in available vertebrate species. In addition, this alteration is predicted to be deleterious by in silico analysis. Since supporting evidence is limited at this time, the clinical significance of this alteration remains unclear.